The following is an entry in ClinVar:

NM_000479.5(AMH):c.974A>G (p.Gln325Arg)

Gene: AMH (anti-Mullerian hormone; plus strand). Cytogenetic location: 19p13.3.
Variant type: single nucleotide variant.
Coding change: c.974A>G on transcript NM_000479.5 (MANE Select); coding-DNA position 974, A replaced by G.
Protein change: p.Gln325Arg; replaces glutamine 325 with arginine.
Molecular consequence: missense variant.
Genome position (GRCh38, 1-based): chr19:2,251,248, A>G. VCF-style: chr19-2251248-A-G. GRCh37 (hg19) VCF-style: chr19-2251247-A-G.
Other names: short protein forms Q325R.
Identifiers: ClinVar variation 381531 (VCV000381531.44), dbSNP rs140765565, ClinGen allele CA9063020.
Genomic context (GRCh38, chr19:2,251,248, plus strand): 5'-CGGCCCGGGCCTCCGCGCCGCGCCTGGCCCTGGATCCGGACGCGCTGGCCGGCTTCCCGC[A>G]GGGCCTAGTCAACCTGTCGGACCCCGCGGCGCTGGAGCGCCTACTCGACGGCGAGGAGCC-3'
Protein context (NP_000470.3, residues 315-335): LDPDALAGFP[Gln325Arg]GLVNLSDPAA

ClinVar aggregate classification (germline): Benign/Likely benign. Review status: criteria provided, multiple submitters, no conflicts (2 of 4 stars). 7 submissions from 7 submitters: Benign (4); Likely benign (3). Last evaluated 2026-01-28.

Conditions:
Persistent Mullerian duct syndrome (PMDS). Also called: PERSISTENT MULLERIAN DUCT SYNDROME, TYPES I AND II; PERSISTENT OVIDUCT SYNDROME; PSEUDOHERMAPHRODITISM, MALE INTERNAL; FEMALE GENITAL DUCTS IN OTHERWISE NORMAL MALE; HERNIA UTERI INGUINALE. Identifiers: Orphanet 2856, MedGen C1849930, MONDO:0009857, OMIM 261550.

Allele frequency attached by ClinVar (database versions not stated): gnomAD exomes 0.00233 and 0.00467; 1000 Genomes Project 0.00479; ExAC 0.00839; gnomAD 0.00910 and 0.00966; 1000 Genomes Project 30x 0.00937; TOPMed 0.01015.
gnomAD v4.1: 4,803 of 1,503,446 alleles (0.32%); highest among the groups gnomAD compares: Middle Eastern, 2.5%; 65 homozygotes.

Submissions (7):

Labcorp Genetics (formerly Invitae), Labcorp
Classification: Benign. Last evaluated: 2026-01-28. Review status: criteria provided, single submitter. Criteria: Invitae Variant Classification Sherloc (09022015). Collection method: clinical testing. Allele origin: germline.

CeGaT Center for Human Genetics Tuebingen
Classification: Benign. Last evaluated: 2023-10-01. Review status: criteria provided, single submitter. Criteria: CeGaT Center For Human Genetics Tuebingen Variant Classification Criteria Version 2. Collection method: clinical testing. Allele origin: germline. Affected: yes. Observed: 1 variant allele.
Comment: AMH: BS1, BS2

Mendelics
Classification: Benign for Persistent Mullerian duct syndrome. Last evaluated: 2019-05-28. Review status: criteria provided, single submitter. Criteria: Mendelics Assertion Criteria 2017. Collection method: clinical testing. Allele origin: unknown.

Genetic Services Laboratory, University of Chicago
Classification: Benign. Last evaluated: 2016-07-14. Review status: criteria provided, single submitter. Criteria: ACMG Guidelines, 2015. Collection method: clinical testing. Allele origin: germline. Affected: no.

Laboratory for Molecular Medicine, Mass General Brigham Personalized Medicine
Classification: Likely benign. Last evaluated: 2016-03-28. Review status: criteria provided, single submitter. Criteria: LMM Criteria. Collection method: clinical testing. Allele origin: germline.
Comment: Variant identified in a genome or exome case(s) and assessed due to predicted null impact of the variant or pathogenic assertions in the literature or databases. Disclaimer: This variant has not undergone full assessment. The following are preliminary notes: Frequency in 1000Genomes: 22/2178=1%

GeneDx
Classification: Likely benign. Last evaluated: 2015-11-01. Review status: criteria provided, single submitter. Criteria: GeneDx Variant Classification (06012015). Collection method: clinical testing. Allele origin: germline. Affected: yes.
Comment: This variant is considered likely benign or benign based on one or more of the following criteria: it is a conservative change, it occurs at a poorly conserved position in the protein, it is predicted to be benign by multiple in silico algorithms, and/or has population frequency not consistent with disease.

Breakthrough Genomics
Classification: Likely benign. Review status: criteria provided, single submitter. Criteria: ACMG Guidelines, 2015. Collection method: not provided. Allele origin: germline. Inheritance: Autosomal recessive inheritance. Affected: yes.